The following is an entry in ClinVar:

ClinVar aggregate classification (germline): Uncertain significance. Review status: criteria provided, multiple submitters, no conflicts (2 of 4 stars). 2 submissions from 2 submitters: Uncertain significance (2). Last evaluated 2022-04-03.

Conditions:
Fanconi anemia complementation group J. Also called: BRIP1-Related Fanconi Anemia. Identifiers: Orphanet 84, MedGen C1836860, MONDO:0012187, OMIM 609054.
Familial cancer of breast. Also called: BREAST CANCER, FAMILIAL; Hereditary breast cancer; hereditary breast carcinoma. Identifiers: Orphanet 227535, MedGen C0346153, MONDO:0016419, OMIM 114480. Disease mechanism: loss of function.
Hereditary cancer-predisposing syndrome. Also called: Tumor predisposition; Neoplastic Syndromes, Hereditary; Hereditary Cancer Syndrome; Hereditary neoplastic syndrome. Identifiers: Orphanet 140162, MedGen C0027672, MeSH D009386, MONDO:0015356.

Submissions (2):

Ambry Genetics
Classification: Uncertain significance for Hereditary cancer-predisposing syndrome. Last evaluated: 2022-04-03. Review status: criteria provided, single submitter. Criteria: Ambry Variant Classification Scheme 2023. Collection method: clinical testing. Allele origin: germline.
Comment: The p.I467L variant (also known as c.1399A>T), located in coding exon 9 of the BRIP1 gene, results from an A to T substitution at nucleotide position 1399. The isoleucine at codon 467 is replaced by leucine, an amino acid with highly similar properties. This amino acid position is conserved. In addition, this alteration is predicted to be tolerated by in silico analysis. Since supporting evidence is limited at this time, the clinical significance of this alteration remains unclear.

Labcorp Genetics (formerly Invitae), Labcorp
Classification: Uncertain significance for Familial cancer of breast; Fanconi anemia complementation group J. Last evaluated: 2022-03-11. Review status: criteria provided, single submitter. Criteria: Invitae Variant Classification Sherloc (09022015). Collection method: clinical testing. Allele origin: germline.
Comment: This variant has not been reported in the literature in individuals affected with BRIP1-related conditions. This variant is not present in population databases (gnomAD no frequency). This sequence change replaces isoleucine, which is neutral and non-polar, with leucine, which is neutral and non-polar, at codon 467 of the BRIP1 protein (p.Ile467Leu). In summary, the available evidence is currently insufficient to determine the role of this variant in disease. Therefore, it has been classified as a Variant of Uncertain Significance. Algorithms developed to predict the effect of missense changes on protein structure and function (SIFT, PolyPhen-2, Align-GVGD) all suggest that this variant is likely to be tolerated.

NM_032043.3(BRIP1):c.1399A>T (p.Ile467Leu)

Gene: BRIP1 (BRCA1 interacting DNA helicase 1; minus strand). Cytogenetic location: 17q23.2.
Variant type: single nucleotide variant.
Coding change: c.1399A>T on transcript NM_032043.3 (MANE Select); coding-DNA position 1399, A replaced by T.
Protein change: p.Ile467Leu; replaces isoleucine 467 with leucine.
Molecular consequence: missense variant.
Genome position (GRCh38, 1-based): chr17:61,793,671, T>A on the plus strand (A>T on the coding strand, the complement: BRIP1 is on the minus strand). VCF-style: chr17-61793671-T-A. GRCh37 (hg19) VCF-style: chr17-59871032-T-A.
Other names: short protein forms I467L.
Identifiers: ClinVar variation 1771696 (VCV001771696.7), dbSNP rs2145242510, ClinGen allele CA400482195.